The following is an entry in ClinVar:

NM_004208.4(AIFM1):c.250-243T>C

Genes: AIFM1 (apoptosis inducing factor mitochondria associated 1; minus strand), RAB33A (RAB33A, member RAS oncogene family; plus strand). Cytogenetic location: Xq26.1.
Variant type: single nucleotide variant.
Coding change: c.250-243T>C on transcript NM_004208.4 (MANE Select); 243 bases into the intron before coding-DNA position 250, T replaced by C.
Molecular consequence: intron variant.
Genome position (GRCh38, 1-based): chrX:130,149,811, A>G on the plus strand (T>C on the coding strand, the complement: AIFM1 is on the minus strand). VCF-style: chrX-130149811-A-G. GRCh37 (hg19) VCF-style: chrX-129283786-A-G.
Other names: c.238-243T>C (NM_145812.3); c.250-243T>C (NM_001130847.4).
Identifiers: ClinVar variation 677967 (VCV000677967.1), dbSNP rs3213522, ClinGen allele CA335123942.

ClinVar aggregate classification (germline): Benign (1 of 4 stars; one submission).

Allele frequency attached by ClinVar (database versions not stated): 1000 Genomes Project 0.52106; gnomAD 0.52670 and 0.53687; 1000 Genomes Project 30x 0.53028; TOPMed 0.54097.
gnomAD v4.1: 58,338 of 110,708 alleles (53%); highest among the groups gnomAD compares: African/African-American, 81%; 12,505 homozygotes.

Submission:

GeneDx
Classification: Benign. Last evaluated: 2018-06-14. Review status: criteria provided, single submitter. Criteria: GeneDx Variant Classification (06012015). Collection method: clinical testing. Allele origin: germline. Affected: yes.
Comment: This variant is considered likely benign or benign based on one or more of the following criteria: it is a conservative change, it occurs at a poorly conserved position in the protein, it is predicted to be benign by multiple in silico algorithms, and/or has population frequency not consistent with disease.